The following is an entry in ClinVar:

ClinVar aggregate classification (germline): Uncertain significance (1 of 4 stars; one submission).

Allele frequency attached by ClinVar (database versions not stated): gnomAD 0.00001; TOPMed 0.00001; ExAC 0.00003; 1000 Genomes Project 0.00040; 1000 Genomes Project 30x 0.00047.
gnomAD v4.1: 23 of 1,612,504 alleles (0.0014%); highest among the groups gnomAD compares: East Asian, 0.047%; no homozygotes.

Submission:

Labcorp Genetics (formerly Invitae), Labcorp
Classification: Uncertain significance. Last evaluated: 2022-09-12. Review status: criteria provided, single submitter. Criteria: Invitae Variant Classification Sherloc (09022015). Collection method: clinical testing. Allele origin: germline.
Comment: This sequence change falls in intron 13 of the LARS2 gene. It does not directly change the encoded amino acid sequence of the LARS2 protein. It affects a nucleotide within the consensus splice site. This variant is present in population databases (rs543841061, gnomAD 0.07%). This variant has not been reported in the literature in individuals affected with LARS2-related conditions. Variants that disrupt the consensus splice site are a relatively common cause of aberrant splicing (PMID: 17576681, 9536098). Algorithms developed to predict the effect of sequence changes on RNA splicing suggest that this variant is not likely to affect RNA splicing. In summary, the available evidence is currently insufficient to determine the role of this variant in disease. Therefore, it has been classified as a Variant of Uncertain Significance.

Literature cited by the submitters: PubMed 17576681; PubMed 9536098.

NM_015340.4(LARS2):c.1523+6G>T

Genes: LARS2 (leucyl-tRNA synthetase 2, mitochondrial; plus strand), LARS2-AS1 (LARS2 antisense RNA 1; minus strand). Cytogenetic location: 3p21.31.
Variant type: single nucleotide variant.
Coding change: c.1523+6G>T on transcript NM_015340.4 (MANE Select); 6 bases into the intron after coding-DNA position 1523, G replaced by T.
Molecular consequence: intron variant.
Genome position (GRCh38, 1-based): chr3:45,491,806, G>T. VCF-style: chr3-45491806-G-T. GRCh37 (hg19) VCF-style: chr3-45533298-G-T.
Other names: c.1523+6G>T (NM_001368263.1).
Identifiers: ClinVar variation 1914164 (VCV001914164.5), dbSNP rs543841061, ClinGen allele CA2349618.